The following is an entry in ClinVar:

NM_001673.5(ASNS):c.1074C>A (p.Ser358Arg)

Genes: ASNS (asparagine synthetase (glutamine-hydrolyzing); minus strand), CZ1P-ASNS (CZ1P-ASNS readthrough; minus strand). Cytogenetic location: 7q21.3.
Variant type: single nucleotide variant.
Coding change: c.1074C>A on transcript NM_001673.5 (MANE Select); coding-DNA position 1074, C replaced by A.
Protein change: p.Ser358Arg; replaces serine 358 with arginine.
Molecular consequence: missense variant. On other transcripts: non-coding transcript variant (1).
Genome position (GRCh38, 1-based): chr7:97,855,416, G>T on the plus strand (C>A on the coding strand, the complement: ASNS is on the minus strand). VCF-style: chr7-97855416-G-T. GRCh37 (hg19) VCF-style: chr7-97484728-G-T.
Other names: c.1011C>A, p.Ser337Arg (NM_001178075.2); c.825C>A, p.Ser275Arg (NM_001178076.2, NM_001178077.1); c.1074C>A, p.Ser358Arg (NM_001352496.2, NM_133436.3, NM_183356.4); short protein forms S275R, S337R, S358R.
Identifiers: ClinVar variation 2417295 (VCV002417295.3), dbSNP rs772593615, ClinGen allele CA368265715.

ClinVar aggregate classification (germline): Uncertain significance (1 of 4 stars; one submission).

Submission:

Labcorp Genetics (formerly Invitae), Labcorp
Classification: Uncertain significance. Last evaluated: 2022-07-02. Review status: criteria provided, single submitter. Criteria: Invitae Variant Classification Sherloc (09022015). Collection method: clinical testing. Allele origin: germline.
Comment: This sequence change replaces serine, which is neutral and polar, with arginine, which is basic and polar, at codon 358 of the ASNS protein (p.Ser358Arg). This variant is present in population databases (no rsID available, gnomAD 0.009%). This variant has not been reported in the literature in individuals affected with ASNS-related conditions. Advanced modeling of protein sequence and biophysical properties (such as structural, functional, and spatial information, amino acid conservation, physicochemical variation, residue mobility, and thermodynamic stability) performed at Invitae indicates that this missense variant is expected to disrupt ASNS protein function. In summary, the available evidence is currently insufficient to determine the role of this variant in disease. Therefore, it has been classified as a Variant of Uncertain Significance.